The following is an entry in ClinVar:

NM_005591.4(MRE11):c.1882A>G (p.Arg628Gly)

Gene: MRE11 (MRE11 double strand break repair nuclease; minus strand). Cytogenetic location: 11q21.
Variant type: single nucleotide variant.
Coding change: c.1882A>G on transcript NM_005591.4 (MANE Select); coding-DNA position 1882, A replaced by G.
Protein change: p.Arg628Gly; replaces arginine 628 with glycine.
Molecular consequence: missense variant.
Genome position (GRCh38, 1-based): chr11:94,437,221, T>C on the plus strand (A>G on the coding strand, the complement: MRE11 is on the minus strand). VCF-style: chr11-94437221-T-C. GRCh37 (hg19) VCF-style: chr11-94170387-T-C.
Other names: c.1879A>G, p.Arg627Gly (NM_001330347.2); c.1798A>G, p.Arg600Gly (NM_005590.4); short protein forms R600G, R627G, R628G.
Identifiers: ClinVar variation 1800238 (VCV001800238.2), dbSNP rs1411087205, ClinGen allele CA382374860.

ClinVar aggregate classification (germline): Uncertain significance (1 of 4 stars; one submission).

Conditions:
Hereditary cancer-predisposing syndrome. Also called: Neoplastic Syndromes, Hereditary; Tumor predisposition; Hereditary Cancer Syndrome; Hereditary neoplastic syndrome. Identifiers: Orphanet 140162, MedGen C0027672, MeSH D009386, MONDO:0015356.

Allele frequency attached by ClinVar (database versions not stated): TOPMed below 0.00001; gnomAD 0.00001.
gnomAD v4.1: 1 of 1,612,896 alleles (0.000062%); highest among the groups gnomAD compares: Non-Finnish European, 0.000085%; no homozygotes.

Submission:

Ambry Genetics
Classification: Uncertain significance for Hereditary cancer-predisposing syndrome. Last evaluated: 2017-04-13. Review status: criteria provided, single submitter. Criteria: Ambry Variant Classification Scheme 2023. Collection method: clinical testing. Allele origin: germline.
Comment: The p.R628G variant (also known as c.1882A>G), located in coding exon 16 of the MRE11A gene, results from an A to G substitution at nucleotide position 1882. The arginine at codon 628 is replaced by glycine, an amino acid with dissimilar properties. This amino acid position is highly conserved in available vertebrate species. In addition, the in silico prediction for this alteration is inconclusive. Since supporting evidence is limited at this time, the clinical significance of this alteration remains unclear.